The following is an entry in ClinVar:

ClinVar aggregate classification (germline): Uncertain significance (1 of 4 stars; one submission).

gnomAD v4.1: 1 of 1,613,324 alleles (0.000062%); highest among the groups gnomAD compares: Non-Finnish European, 0.000085%; no homozygotes.

Submission:

Labcorp Genetics (formerly Invitae), Labcorp
Classification: Uncertain significance. Last evaluated: 2022-06-04. Review status: criteria provided, single submitter. Criteria: Invitae Variant Classification Sherloc (09022015). Collection method: clinical testing. Allele origin: germline.
Comment: This sequence change replaces arginine, which is basic and polar, with tryptophan, which is neutral and slightly polar, at codon 684 of the LAMA1 protein (p.Arg684Trp). This variant is not present in population databases (gnomAD no frequency). This variant has not been reported in the literature in individuals affected with LAMA1-related conditions. ClinVar contains an entry for this variant (Variation ID: 1464795). Algorithms developed to predict the effect of missense changes on protein structure and function are either unavailable or do not agree on the potential impact of this missense change (SIFT: "Deleterious"; PolyPhen-2: "Probably Damaging"; Align-GVGD: "Class C0"). Algorithms developed to predict the effect of sequence changes on RNA splicing suggest that this variant may disrupt the consensus splice site. In summary, the available evidence is currently insufficient to determine the role of this variant in disease. Therefore, it has been classified as a Variant of Uncertain Significance.

NM_005559.4(LAMA1):c.2050A>T (p.Arg684Trp)

Gene: LAMA1 (laminin subunit alpha 1; minus strand). Cytogenetic location: 18p11.31.
Variant type: single nucleotide variant.
Coding change: c.2050A>T on transcript NM_005559.4 (MANE Select); coding-DNA position 2050, A replaced by T.
Protein change: p.Arg684Trp; replaces arginine 684 with tryptophan.
Molecular consequence: missense variant.
Genome position (GRCh38, 1-based): chr18:7,034,480, T>A on the plus strand (A>T on the coding strand, the complement: LAMA1 is on the minus strand). VCF-style: chr18-7034480-T-A. GRCh37 (hg19) VCF-style: chr18-7034479-T-A.
Other names: short protein forms R684W.
Identifiers: ClinVar variation 1464795 (VCV001464795.6), dbSNP rs2144166898, ClinGen allele CA401829950.